The following is an entry in ClinVar:

ClinVar aggregate classification (germline): Uncertain significance. Review status: criteria provided, multiple submitters, no conflicts (2 of 4 stars). 2 submissions from 2 submitters: Uncertain significance (2). Last evaluated 2025-05-21.

Conditions:
Cardiac arrhythmia. Also called: Cardiac rhythm disease; Arrhythmia. Identifiers: MedGen C0003811, MONDO:0007263, HP:0011675.
Long QT syndrome (LQTS). Identifiers: MedGen C0023976, MeSH D008133, MONDO:0002442. Disease mechanism: loss of function. Inheritance: Various modes of inheritance.

Allele frequency attached by ClinVar (database versions not stated): TOPMed below 0.00001; gnomAD exomes 0.00002; ExAC 0.00003.
gnomAD v4.1: 24 of 1,596,258 alleles (0.0015%); highest among the groups gnomAD compares: South Asian, 0.0022%; no homozygotes.

Submissions (2):

Color Diagnostics, LLC DBA Color Health
Classification: Uncertain significance for Cardiac arrhythmia. Last evaluated: 2025-05-21. Review status: criteria provided, single submitter. Criteria: ACMG Guidelines, 2015. Collection method: clinical testing. Allele origin: germline.
Comment: This variant results in a single nucleotide substitution in the 5' untranslated region of the KCNH2 gene. To our knowledge, functional studies have not been reported for this variant nor has this variant been reported in individuals affected with cardiovascular disorders in the literature. This variant has been identified in 5/225032 chromosomes in the general population by the Genome Aggregation Database (gnomAD). The available evidence is insufficient to determine the role of this variant in disease conclusively. Therefore, this variant is classified as a Variant of Uncertain Significance.

All of Us Research Program, National Institutes of Health
Classification: Uncertain significance for Long QT syndrome. Last evaluated: 2024-08-29. Review status: criteria provided, single submitter. Criteria: ACMG Guidelines, 2015. Collection method: clinical testing. Allele origin: germline. Inheritance: Autosomal dominant inheritance. Observed: 4 variant alleles, 4 heterozygotes.
Comment: This variant changes 1 nucleotide in the 5' untranslated region of the KCNH2 gene. To our knowledge, functional assays have not been performed for this variant nor has this variant been reported in individuals affected with cardiovascular disorders in the literature. This variant has been identified in 5/225032 chromosomes in the general population by the Genome Aggregation Database (gnomAD). Available evidence is insufficient to determine the role of this variant in disease conclusively. Therefore, this variant is classified as a Variant of Uncertain Significance.

This study involves interpretation of variants in research participants for the purpose of population health screening. Participant phenotype was not available at the time of variant classification. Additional details can be found in publication PMID: 35346344, PMCID: PMC8962531

NM_000238.4(KCNH2):c.-7G>A

Gene: KCNH2 (potassium voltage-gated channel subfamily H member 2; minus strand). Cytogenetic location: 7q36.1.
Variant type: single nucleotide variant.
Coding change: c.-7G>A on transcript NM_000238.4 (MANE Select); 7 bases upstream of the start codon, G replaced by A.
Molecular consequence: 5 prime UTR variant.
Genome position (GRCh38, 1-based): chr7:150,977,920, C>T on the plus strand (G>A on the coding strand, the complement: KCNH2 is on the minus strand). VCF-style: chr7-150977920-C-T. GRCh37 (hg19) VCF-style: chr7-150675008-C-T.
Other names: c.-7G>A (NM_172056.3).
Identifiers: ClinVar variation 926051 (VCV000926051.11), dbSNP rs751399746, ClinGen allele CA040685.